The following is an entry in ClinVar:

NM_206933.4(USH2A):c.8760G>A (p.Thr2920=)

Gene: USH2A (usherin; minus strand). Cytogenetic location: 1q41.
Variant type: single nucleotide variant.
Coding change: c.8760G>A on transcript NM_206933.4 (MANE Select); coding-DNA position 8760, G replaced by A.
Protein change: p.Thr2920=; no amino-acid change (threonine 2920 retained).
Molecular consequence: synonymous variant.
Genome position (GRCh38, 1-based): chr1:215,867,092, C>T on the plus strand (G>A on the coding strand, the complement: USH2A is on the minus strand). VCF-style: chr1-215867092-C-T. GRCh37 (hg19) VCF-style: chr1-216040434-C-T.
Identifiers: ClinVar variation 749829 (VCV000749829.15), dbSNP rs200525258, ClinGen allele CA1394514.
Genomic context (GRCh38, chr1:215,867,092, plus strand): 5'-GGCTGTGTGGTTAAGGACACTCGCAGTGAGATTGGCTCCTCTCTCTGGAAGACCAGCTAA[C>T]GTTGTCACAGTCACTTCTCGGCTCGGTGTAAAACCCACACTGTTGTGTACGAAGAGCATA-3'
Protein context (NP_996816.3, residues 2910-2930): FTPSREVTVT[Thr2920=]LAGLPERGAN

ClinVar aggregate classification (germline): Benign/Likely benign. Review status: criteria provided, multiple submitters, no conflicts (2 of 4 stars). 5 submissions from 5 submitters: Benign (1); Likely benign (3). 1 of the submissions does not count toward it. Last evaluated 2026-09-03.

Conditions:
Retinal dystrophy. Also called: Inherited retinal dystrophy. Identifiers: Orphanet 71862, MedGen C0854723, MeSH D058499, MONDO:0019118, HP:0000556.
Usher syndrome type 2A. Also called: RETINAL DISEASE IN USHER SYNDROME TYPE IIA, MODIFIER OF; USHER SYNDROME, TYPE IIA. Identifiers: Orphanet 231178, Orphanet 886, MedGen C1848634, MONDO:0010169, OMIM 276901.
USH2A-related disorder. Also called: USH2A-related condition; USH2A-related disorders. Identifiers: MedGen CN239332.

Allele frequency attached by ClinVar (database versions not stated): gnomAD 0.00010; TOPMed 0.00010; 1000 Genomes Project 0.00040; 1000 Genomes Project 30x 0.00047.
gnomAD v4.1: 62 of 1,614,160 alleles (0.0038%); highest among the groups gnomAD compares: East Asian, 0.12%; no homozygotes.

Submissions (5):

PreventionGenetics, part of Exact Sciences
Classification: Likely benign for USH2A-related condition. Last evaluated: 2026-09-03. Review status: criteria provided, single submitter. Criteria: ACMG Guidelines, 2015. Collection method: clinical testing. Allele origin: germline.
Comment: This variant is classified as likely benign based on ACMG/AMP sequence variant interpretation guidelines (Richards et al. 2015 PMID: 25741868, with internal and published modifications).

Labcorp Genetics (formerly Invitae), Labcorp
Classification: Benign. Last evaluated: 2025-04-09. Review status: criteria provided, single submitter. Criteria: Invitae Variant Classification Sherloc (09022015). Collection method: clinical testing. Allele origin: germline.

Dept Of Ophthalmology, Nagoya University
Classification: Likely benign for Retinal dystrophy. Last evaluated: 2023-10-01. Review status: criteria provided, single submitter. Criteria: Submitter's publication. Collection method: research. Allele origin: germline. Affected: yes.

Blueprint Genetics
Classification: Likely benign. Last evaluated: 2021-09-23. Review status: criteria provided, single submitter. Criteria: ACMG Guidelines, 2015. Collection method: clinical testing. Allele origin: germline.

Natera, Inc.
Classification: Likely benign for Usher syndrome type 2A. Last evaluated: 2020-05-01. Review status: no assertion criteria provided. Collection method: clinical testing. Allele origin: germline. Not counted in ClinVar's aggregate classification.